The following is an entry in ClinVar:

NM_001144967.3(NEDD4L):c.1961C>T (p.Ser654Leu)

Gene: NEDD4L (NEDD4 like E3 ubiquitin protein ligase; plus strand). Cytogenetic location: 18q21.31.
Variant type: single nucleotide variant.
Coding change: c.1961C>T on transcript NM_001144967.3 (MANE Select); coding-DNA position 1961, C replaced by T.
Protein change: p.Ser654Leu; replaces serine 654 with leucine.
Molecular consequence: missense variant.
Genome position (GRCh38, 1-based): chr18:58,366,126, C>T. VCF-style: chr18-58366126-C-T. GRCh37 (hg19) VCF-style: chr18-56033358-C-T.
Other names: c.1598C>T, p.Ser533Leu (NM_001144964.1, NM_001144965.2, NM_001144966.3); c.1937C>T, p.Ser646Leu (NM_001144968.2); c.1877C>T, p.Ser626Leu (NM_001144969.2); c.1538C>T, p.Ser513Leu (NM_001144970.3, NM_001144971.2); c.1769C>T, p.Ser590Leu (NM_001243960.2); c.1901C>T, p.Ser634Leu (NM_015277.6); short protein forms S626L, S513L, S590L, S646L, S654L, S533L, S634L.
Identifiers: ClinVar variation 3700617 (VCV003700617.2).

ClinVar aggregate classification (germline): Uncertain significance (1 of 4 stars; one submission).

gnomAD v4.1: 1 of 1,613,646 alleles (0.000062%); highest among the groups gnomAD compares: South Asian, 0.0011%; no homozygotes.

Submission:

Labcorp Genetics (formerly Invitae), Labcorp
Classification: Uncertain significance. Last evaluated: 2024-09-10. Review status: criteria provided, single submitter. Criteria: Invitae Variant Classification Sherloc (09022015). Collection method: clinical testing. Allele origin: germline.
Comment: This sequence change replaces serine, which is neutral and polar, with leucine, which is neutral and non-polar, at codon 634 of the NEDD4L protein (p.Ser634Leu). This variant is not present in population databases (gnomAD no frequency). This variant has not been reported in the literature in individuals affected with NEDD4L-related conditions. Invitae Evidence Modeling of protein sequence and biophysical properties (such as structural, functional, and spatial information, amino acid conservation, physicochemical variation, residue mobility, and thermodynamic stability) indicates that this missense variant is not expected to disrupt NEDD4L protein function with a negative predictive value of 80%. In summary, the available evidence is currently insufficient to determine the role of this variant in disease. Therefore, it has been classified as a Variant of Uncertain Significance.